The following is an entry in ClinVar:

ClinVar aggregate classification (germline): Uncertain significance (1 of 4 stars; one submission).

Conditions:
Charcot-Marie-Tooth disease type 4. Also called: Charcot-Marie-Tooth disease, type IV; Charcot-Marie-Tooth, Type 4. Identifiers: Orphanet 64749, MedGen C4082197, MONDO:0018995.

gnomAD v4.1: 6 of 1,614,174 alleles (0.00037%); highest among the groups gnomAD compares: Non-Finnish European, 0.00051%; no homozygotes.

Submission:

Labcorp Genetics (formerly Invitae), Labcorp
Classification: Uncertain significance for Charcot-Marie-Tooth disease type 4. Last evaluated: 2019-12-11. Review status: criteria provided, single submitter. Criteria: Invitae Variant Classification Sherloc (09022015). Collection method: clinical testing. Allele origin: germline.
Comment: This sequence change replaces asparagine with serine at codon 249 of the SH3TC2 protein (p.Asn249Ser). The asparagine residue is highly conserved and there is a small physicochemical difference between asparagine and serine. This variant is not present in population databases (ExAC no frequency). This variant has not been reported in the literature in individuals with SH3TC2-related conditions. Algorithms developed to predict the effect of missense changes on protein structure and function (SIFT, PolyPhen-2, Align-GVGD) all suggest that this variant is likely to be tolerated, but these predictions have not been confirmed by published functional studies and their clinical significance is uncertain. In summary, the available evidence is currently insufficient to determine the role of this variant in disease. Therefore, it has been classified as a Variant of Uncertain Significance.

NM_024577.4(SH3TC2):c.746A>G (p.Asn249Ser)

Gene: SH3TC2 (SH3 domain and tetratricopeptide repeats 2; minus strand). Cytogenetic location: 5q32.
Variant type: single nucleotide variant.
Coding change: c.746A>G on transcript NM_024577.4 (MANE Select); coding-DNA position 746, A replaced by G.
Protein change: p.Asn249Ser; replaces asparagine 249 with serine.
Molecular consequence: missense variant.
Genome position (GRCh38, 1-based): chr5:149,040,663, T>C on the plus strand (A>G on the coding strand, the complement: SH3TC2 is on the minus strand). VCF-style: chr5-149040663-T-C. GRCh37 (hg19) VCF-style: chr5-148420226-T-C.
Other names: short protein forms N249S.
Identifiers: ClinVar variation 860605 (VCV000860605.9), dbSNP rs760971566, ClinGen allele CA361674081.